The following is an entry in ClinVar:

NM_001382273.1(TNK2):c.1872G>A (p.Thr624=)

Gene: TNK2 (tyrosine kinase non receptor 2; minus strand). Cytogenetic location: 3q29.
Variant type: single nucleotide variant.
Coding change: c.1872G>A on transcript NM_001382273.1 (MANE Select); coding-DNA position 1872, G replaced by A.
Protein change: p.Thr624=; no amino-acid change (threonine 624 retained).
Molecular consequence: synonymous variant. On other transcripts: non-coding transcript variant (15).
Genome position (GRCh38, 1-based): chr3:195,868,426, C>T on the plus strand (G>A on the coding strand, the complement: TNK2 is on the minus strand). VCF-style: chr3-195868426-C-T. GRCh37 (hg19) VCF-style: chr3-195595297-C-T.
Other names: c.1827G>A (NM_005781.4); c.1944G>A, p.Thr648= (NM_001010938.2, NM_001382272.1); c.1923G>A, p.Thr641= (NM_001308046.2, NM_001382271.1); c.1872G>A, p.Thr624= (NM_001382274.1, NM_001387716.1, NM_001387717.1 and 1 more transcripts); c.1968G>A, p.Thr656= (NM_001382275.1, NM_001387707.1); c.1827G>A, p.Thr609= (NM_001386164.1, NM_001387709.1, NM_001387710.1 and 8 more transcripts); c.1899G>A, p.Thr633= (NM_001387708.1, NM_001387715.1).
Identifiers: ClinVar variation 1599398 (VCV001599398.10), dbSNP rs144161756, ClinGen allele CA2776166.
Genomic context (GRCh38, chr3:195,868,426, plus strand): 5'-CAGCGGGCGTGCGTCCCAGTCCACCACAGGCGTGGGGTGCAGGGGCCGGGGCAGTGCCCG[C>T]GTGGGGCTCTGAGGCGGGGTCTCGTCCAGCAGGGAGCAGGCGTCCATGGCCAGCTGCGCC-3'
Protein context (NP_001369202.1, residues 614-634): LLDETPPQSP[Thr624=]RALPRPLHPT

ClinVar aggregate classification (germline): Benign. Review status: criteria provided, single submitter (1 of 4 stars). 2 submissions from 2 submitters: Benign (1). 1 of the submissions does not count toward it. Last evaluated 2025-12-21.

Conditions:
TNK2-related disorder. Also called: TNK2-related condition.

Allele frequency attached by ClinVar (database versions not stated): 1000 Genomes Project 0.00439; 1000 Genomes Project 30x 0.00468; ESP Exome Variant Server 0.00259; gnomAD 0.00306 and 0.00319; TOPMed 0.00313.
gnomAD v4.1: 6,797 of 1,568,048 alleles (0.43%); highest among the groups gnomAD compares: East Asian, 0.84%; 35 homozygotes.

Submissions (2):

Labcorp Genetics (formerly Invitae), Labcorp
Classification: Benign. Last evaluated: 2025-12-21. Review status: criteria provided, single submitter. Criteria: Invitae Variant Classification Sherloc (09022015). Collection method: clinical testing. Allele origin: germline.

PreventionGenetics, part of Exact Sciences
Classification: Likely benign for TNK2-related condition. Last evaluated: 2019-03-08. Review status: no assertion criteria provided. Collection method: clinical testing. Allele origin: germline. Not counted in ClinVar's aggregate classification.
Comment: This variant is classified as likely benign based on ACMG/AMP sequence variant interpretation guidelines (Richards et al. 2015 PMID: 25741868, with internal and published modifications).